The following is an entry in ClinVar:

ClinVar aggregate classification (germline): Benign/Likely benign. Review status: criteria provided, multiple submitters, no conflicts (2 of 4 stars). 10 submissions from 9 submitters: Benign (4); Likely benign (6). Last evaluated 2026-06-01.

Conditions:
Autosomal recessive ataxia, Beauce type. Also called: ATAXIA, RECESSIVE, OF BEAUCE; Spinocerebellar ataxia, autosomal recessive 8; SYNE1-Related Autosomal Recessive Cerebellar Ataxia; SYNE1 Deficiency. Identifiers: Orphanet 88644, MedGen C1853116, MONDO:0012549, OMIM 610743.
Emery-Dreifuss muscular dystrophy 4, autosomal dominant (EDMD4). Also called: EMERY-DREIFUSS MUSCULAR DYSTROPHY 4 WITH VARIABLE FEATURES. Identifiers: Orphanet 261, MedGen C2751807, MONDO:0013071, OMIM 612998.

Allele frequency attached by ClinVar (database versions not stated): ESP Exome Variant Server 0.00192; gnomAD 0.00257 and 0.00276; TOPMed 0.00276; 1000 Genomes Project 0.00280; 1000 Genomes Project 30x 0.00281.
gnomAD v4.1: 791 of 1,614,202 alleles (0.049%); highest among the groups gnomAD compares: African/African-American, 0.89%; 2 homozygotes.

Submissions (10):

CeGaT Center for Human Genetics Tuebingen
Classification: Likely benign. Last evaluated: 2026-06-01. Review status: criteria provided, single submitter. Criteria: CeGaT Center For Human Genetics Tuebingen Variant Classification Criteria Version 2. Collection method: clinical testing. Allele origin: germline. Affected: yes. Observed: 1 variant allele.
Comment: SYNE1: BP4, BP7

Labcorp Genetics (formerly Invitae), Labcorp
Classification: Benign for Emery-Dreifuss muscular dystrophy 4, autosomal dominant; Autosomal recessive ataxia, Beauce type. Last evaluated: 2026-01-11. Review status: criteria provided, single submitter. Criteria: Invitae Variant Classification Sherloc (09022015). Collection method: clinical testing. Allele origin: germline.

Mayo Clinic Laboratories, Mayo Clinic
Classification: Likely benign. Last evaluated: 2025-02-26. Review status: criteria provided, single submitter. Criteria: ACMG Guidelines, 2015. Collection method: clinical testing. Allele origin: germline. Observed: 3 variant alleles.
Comment: BS1, BP4, BP7

Blueprint Genetics
Classification: Likely benign. Last evaluated: 2024-11-21. Review status: criteria provided, single submitter. Criteria: ACMG Guidelines, 2015. Collection method: clinical testing. Allele origin: germline.

GeneDx
Classification: Likely benign. Last evaluated: 2021-03-10. Review status: criteria provided, single submitter. Criteria: GeneDx Variant Classification Process June 2021. Collection method: clinical testing. Allele origin: germline. Affected: yes.

Athena Diagnostics
Classification: Benign. Last evaluated: 2018-08-13. Review status: criteria provided, single submitter. Criteria: Athena Diagnostics Criteria. Collection method: clinical testing. Allele origin: germline.

Illumina Laboratory Services, Illumina
Classification: Benign for Emery-Dreifuss muscular dystrophy 4, autosomal dominant. Last evaluated: 2018-01-12. Review status: criteria provided, single submitter. Criteria: ICSL Variant Classification Criteria 13 December 2019. Collection method: clinical testing. Allele origin: germline.
Comment: This variant was observed in the ICSL laboratory as part of a predisposition screen in an ostensibly healthy population. It had not been previously curated by ICSL or reported in the Human Gene Mutation Database (HGMD: prior to June 1st, 2018), and was therefore a candidate for classification through an automated scoring system. Utilizing variant allele frequency, disease prevalence and penetrance estimates, and inheritance mode, an automated score was calculated to assess if this variant is too frequent to cause the disease. Based on the score and internal cut-off values, a variant classified as benign is not then subjected to further curation. The score for this variant resulted in a classification of benign for this disease.

Illumina Laboratory Services, Illumina
Classification: Likely benign for Autosomal recessive ataxia, Beauce type. Last evaluated: 2018-01-12. Review status: criteria provided, single submitter. Criteria: ICSL Variant Classification Criteria 13 December 2019. Collection method: clinical testing. Allele origin: germline.
Comment: This variant was observed in the ICSL laboratory as part of a predisposition screen in an ostensibly healthy population. It had not been previously curated by ICSL or reported in the Human Gene Mutation Database (HGMD: prior to June 1st, 2018), and was therefore a candidate for classification through an automated scoring system. Utilizing variant allele frequency, disease prevalence and penetrance estimates, and inheritance mode, an automated score was calculated to assess if this variant is too frequent to cause the disease. Based on the score and internal cut-off values, a variant classified as likely benign is not then subjected to further curation. The score for this variant resulted in a classification of likely benign for this disease.

Eurofins Ntd Llc (ga)
Classification: Benign. Last evaluated: 2016-06-07. Review status: criteria provided, single submitter. Criteria: EGL Classification Definitions 2015. Collection method: clinical testing. Allele origin: germline. Observed: 2 variant alleles, 2 heterozygotes.

Breakthrough Genomics
Classification: Likely benign. Review status: criteria provided, single submitter. Criteria: ACMG Guidelines, 2015. Collection method: not provided. Allele origin: germline. Inheritance: Autosomal recessive inheritance. Affected: yes.

NM_182961.4(SYNE1):c.10281G>T (p.Thr3427=)

Gene: SYNE1 (spectrin repeat containing nuclear envelope protein 1; minus strand). Cytogenetic location: 6q25.2.
Variant type: single nucleotide variant.
Coding change: c.10281G>T on transcript NM_182961.4 (MANE Select); coding-DNA position 10281, G replaced by T.
Protein change: p.Thr3427=; no amino-acid change (threonine 3427 retained).
Molecular consequence: synonymous variant.
Genome position (GRCh38, 1-based): chr6:152,362,188, C>A on the plus strand (G>T on the coding strand, the complement: SYNE1 is on the minus strand). VCF-style: chr6-152362188-C-A. GRCh37 (hg19) VCF-style: chr6-152683323-C-A.
Other names: p.Thr3434=; c.10302G>T, p.Thr3434= (NM_033071.5).
Identifiers: ClinVar variation 284281 (VCV000284281.26), dbSNP rs147402839, ClinGen allele CA4057012.